The following is an entry in ClinVar:

ClinVar aggregate classification (germline): Likely pathogenic (1 of 4 stars; one submission).

Conditions:
Mowat-Wilson syndrome (MOWS). Also called: Classic Mowat-Wilson Syndrome. Identifiers: Orphanet 2152, MedGen C1856113, MONDO:0009341, OMIM 235730.

Submission:

3billion
Classification: Likely pathogenic for Mowat-Wilson syndrome. Last evaluated: 2023-02-23. Review status: criteria provided, single submitter. Criteria: ACMG Guidelines, 2015. Collection method: clinical testing. Allele origin: unknown. Affected: yes.
Comment: The variant is not observed in the gnomAD v2.1.1 dataset. This variant was predicted to result in a loss or disruption of normal protein function through nonsense-mediated decay (NMD) or protein truncation. Multiple pathogenic variants are reported downstream of the variant. Therefore, this variant is classified as Likely pathogenic according to the recommendation of ACMG/AMP guideline.

NM_014795.4(ZEB2):c.2273_2274del (p.Leu758fs)

Gene: ZEB2 (zinc finger E-box binding homeobox 2; minus strand). Cytogenetic location: 2q22.3.
Variant type: Microsatellite.
Coding change: c.2273_2274del on transcript NM_014795.4 (MANE Select); coding-DNA positions 2273 to 2274, 2 bases deleted (TC; older notation c.2273_2274delTC).
Protein change: p.Leu758fs; shifts the reading frame from leucine 758.
Molecular consequence: frameshift variant.
Genome position (GRCh38, 1-based): chr2:144,398,913-144,398,914, GA deleted on the plus strand (TC on the coding strand, the reverse complement: ZEB2 is on the minus strand); deleting any 2 consecutive bases within chr2:144,398,913-144,398,917 gives the same sequence; the c. name uses the placement nearest the transcript's 3' end. VCF-style (leftmost placement, unchanged base first): chr2-144398912-TGA-T. GRCh37 (hg19) VCF-style: chr2-145156479-TGA-T.
Other names: c.2201_2202del, p.Leu734fs (NM_001171653.2); short protein forms L734fs, L758fs.
Identifiers: ClinVar variation 2444433 (VCV002444433.1), dbSNP rs2549106065, ClinGen allele CA2580611354.